The following is an entry in ClinVar:

ClinVar aggregate classification (germline): Uncertain significance (1 of 4 stars; one submission).

Submission:

CeGaT Center for Human Genetics Tuebingen
Classification: Uncertain significance. Last evaluated: 2025-01-01. Review status: criteria provided, single submitter. Criteria: CeGaT Center For Human Genetics Tuebingen Variant Classification Criteria Version 2. Collection method: clinical testing. Allele origin: germline. Affected: yes. Observed: 1 variant allele.
Comment: POLR2A: PM2, PP2

NM_000937.5(POLR2A):c.3005C>G (p.Ser1002Cys)

Gene: POLR2A (RNA polymerase II subunit A; plus strand). Cytogenetic location: 17p13.1.
Variant type: single nucleotide variant.
Coding change: c.3005C>G on transcript NM_000937.5 (MANE Select); coding-DNA position 3005, C replaced by G.
Protein change: p.Ser1002Cys; replaces serine 1002 with cysteine.
Molecular consequence: missense variant.
Genome position (GRCh38, 1-based): chr17:7,503,461, C>G. VCF-style: chr17-7503461-C-G. GRCh37 (hg19) VCF-style: chr17-7406780-C-G.
Other names: short protein forms S1002C.
Identifiers: ClinVar variation 3772362 (VCV003772362.13).
Genomic context (GRCh38, chr17:7,503,461, plus strand): 5'-ACCTGCTGCGGATGATCTGGAATGCTCAGAAAATCTTCCACATCAACCCACGCCTTCCCT[C>G]CGACCTGCACCCCATCAAAGTGGTGGAGGGTAAGTACCTGCTTAGGGGTCTCCAAGCCAG-3'
Protein context (NP_000928.1, residues 992-1012): KIFHINPRLP[Ser1002Cys]DLHPIKVVEG